The following is an entry in ClinVar:

NM_001378457.1(DMXL2):c.2485C>T (p.Arg829Ter)

Gene: DMXL2 (Dmx like 2; minus strand). Cytogenetic location: 15q21.2.
Variant type: single nucleotide variant.
Coding change: c.2485C>T on transcript NM_001378457.1 (MANE Select); coding-DNA position 2485, C replaced by T.
Protein change: p.Arg829Ter; replaces arginine 829 with a stop codon.
Molecular consequence: nonsense. On other transcripts: non-coding transcript variant (2).
Genome position (GRCh38, 1-based): chr15:51,517,119, G>A on the plus strand (C>T on the coding strand, the complement: DMXL2 is on the minus strand). VCF-style: chr15-51517119-G-A. GRCh37 (hg19) VCF-style: chr15-51809316-G-A.
Other names: c.2485C>T, p.Arg829Ter (NM_001174116.3, NM_001174117.3, NM_001378458.1 and 6 more transcripts); c.2245C>T, p.Arg749Ter (NM_001378464.1); short protein forms R749*, R829*.
Identifiers: ClinVar variation 2083352 (VCV002083352.4), dbSNP rs2548554072, ClinGen allele CA392440746.

ClinVar aggregate classification (germline): Pathogenic (1 of 4 stars; one submission).

Allele frequency attached by ClinVar (database versions not stated): gnomAD exomes below 0.00001.
gnomAD v4.1: 2 of 1,614,014 alleles (0.00012%); highest among the groups gnomAD compares: East Asian, 0.0022%; no homozygotes.

Submission:

Labcorp Genetics (formerly Invitae), Labcorp
Classification: Pathogenic. Last evaluated: 2022-07-06. Review status: criteria provided, single submitter. Criteria: Invitae Variant Classification Sherloc (09022015). Collection method: clinical testing. Allele origin: germline.
Comment: This sequence change creates a premature translational stop signal (p.Arg829*) in the DMXL2 gene. It is expected to result in an absent or disrupted protein product. Loss-of-function variants in DMXL2 are known to be pathogenic (PMID: 30237576, 31688942). This variant is not present in population databases (gnomAD no frequency). This variant has not been reported in the literature in individuals affected with DMXL2-related conditions. For these reasons, this variant has been classified as Pathogenic.

Literature cited by the submitters: PubMed 30237576; PubMed 31688942.